The following is an entry in ClinVar:

ClinVar aggregate classification (germline): Uncertain significance (1 of 4 stars; one submission).

Allele frequency attached by ClinVar (database versions not stated): ESP Exome Variant Server 0.00015.
gnomAD v4.1: 51 of 1,596,576 alleles (0.0032%); highest among the groups gnomAD compares: Admixed American, 0.023%; no homozygotes.

Submission:

Labcorp Genetics (formerly Invitae), Labcorp
Classification: Uncertain significance. Last evaluated: 2025-03-18. Review status: criteria provided, single submitter. Criteria: Invitae Variant Classification Sherloc (09022015). Collection method: clinical testing. Allele origin: germline.
Comment: This sequence change falls in intron 6 of the CD81 gene. It does not directly change the encoded amino acid sequence of the CD81 protein. It affects a nucleotide within the consensus splice site. This variant is present in population databases (rs377337982, gnomAD 0.009%). This variant has not been reported in the literature in individuals affected with CD81-related conditions. ClinVar contains an entry for this variant (Variation ID: 1383630). Variants that disrupt the consensus splice site are a relatively common cause of aberrant splicing (PMID: 17576681, 9536098). Algorithms developed to predict the effect of sequence changes on RNA splicing suggest that this variant is not likely to affect RNA splicing. In summary, the available evidence is currently insufficient to determine the role of this variant in disease. Therefore, it has been classified as a Variant of Uncertain Significance.

Literature cited by the submitters: PubMed 17576681; PubMed 9536098.

NM_004356.4(CD81):c.561+6C>T

Gene: CD81 (CD81 molecule; plus strand). Cytogenetic location: 11p15.5.
Variant type: single nucleotide variant.
Coding change: c.561+6C>T on transcript NM_004356.4 (MANE Select); 6 bases into the intron after coding-DNA position 561, C replaced by T.
Molecular consequence: intron variant.
Genome position (GRCh38, 1-based): chr11:2,395,976, C>T. VCF-style: chr11-2395976-C-T. GRCh37 (hg19) VCF-style: chr11-2417206-C-T.
Other names: c.348+6C>T (NM_001297649.2).
Identifiers: ClinVar variation 1383630 (VCV001383630.6), dbSNP rs377337982, ClinGen allele CA5820063.